The following is an entry in ClinVar:

NM_001083603.3(PTCH1):c.2T>C (p.Met1Thr)

Gene: PTCH1 (patched 1; minus strand). Cytogenetic location: 9q22.32.
Variant type: single nucleotide variant.
Coding change: c.2T>C on transcript NM_001083603.3 (MANE Plus Clinical); coding-DNA position 2, T replaced by C.
Protein change: p.Met1Thr; changes the start codon (methionine 1).
Molecular consequence: missense variant, initiator codon variant. On other transcripts: 5 prime UTR variant (2).
Genome position (GRCh38, 1-based): chr9:95,516,819, A>G on the plus strand (T>C on the coding strand, the complement: PTCH1 is on the minus strand). VCF-style: chr9-95516819-A-G. GRCh37 (hg19) VCF-style: chr9-98279101-A-G.
Other names: c.-348T>C (NM_001083602.3, NM_001354919.2); short protein forms M1T.
Identifiers: ClinVar variation 930744 (VCV000930744.6), dbSNP rs1039069537, ClinGen allele CA374124772.
Genomic context (GRCh38, chr9:95,516,819, plus strand): 5'-GCTTTCGGCGGAGTGCAGCGCGGACTCACAATTACAAGCCTGTTTCTATTAAGCAGTTCC[A>G]TGGCCCTCGGCGTGGGTGGTCTGCCGCGCCATAGGCAGGACCTGTCAGGGTCACGTGACG-3'
Protein context (NP_001077072.1, residues 1-11): [Met1Thr]ELLNRNRLVI

ClinVar aggregate classification (germline): Uncertain significance (1 of 4 stars; one submission).

Conditions:
Basal cell carcinoma, susceptibility to, 1. Also called: BCC1. Identifiers: MedGen C2751544, MONDO:0011556, OMIM 605462.

Allele frequency attached by ClinVar (database versions not stated): gnomAD 0.00001.
gnomAD v4.1: 4 of 1,600,494 alleles (0.00025%); highest among the groups gnomAD compares: East Asian, 0.0022%; no homozygotes.

Submission:

Centre for Mendelian Genomics, University Medical Centre Ljubljana
Classification: Uncertain significance for Basal cell carcinoma, susceptibility to, 1. Last evaluated: 2019-08-06. Review status: criteria provided, single submitter. Criteria: ACMG Guidelines, 2015. Collection method: clinical testing. Allele origin: unknown. Affected: yes.
Comment: This variant was classified as: Uncertain significance. The available evidence on this variant's pathogenicity is insufficient or conflicting. The following ACMG criteria were applied in classifying this variant: PM2.